The following is an entry in ClinVar:

ClinVar aggregate classification (germline): Uncertain significance. Review status: criteria provided, multiple submitters, no conflicts (2 of 4 stars). 2 submissions from 2 submitters: Uncertain significance (2). Last evaluated 2024-11-18.

Conditions:
Hereditary cancer-predisposing syndrome. Also called: Neoplastic Syndromes, Hereditary; Tumor predisposition; Hereditary Cancer Syndrome; Hereditary neoplastic syndrome. Identifiers: Orphanet 140162, MedGen C0027672, MeSH D009386, MONDO:0015356.
Oligodontia-cancer predisposition syndrome. Also called: TOOTH AGENESIS-COLORECTAL CANCER SYNDROME. Identifiers: Orphanet 300576, MedGen C1837750, MONDO:0012075, OMIM 608615. Disease mechanism: loss of function.

Submissions (2):

Ambry Genetics
Classification: Uncertain significance for Hereditary cancer-predisposing syndrome. Last evaluated: 2024-11-18. Review status: criteria provided, single submitter. Criteria: Ambry Variant Classification Scheme 2023. Collection method: clinical testing. Allele origin: germline.
Comment: The p.F274L variant (also known as c.820T>C), located in coding exon 2 of the AXIN2 gene, results from a T to C substitution at nucleotide position 820. The phenylalanine at codon 274 is replaced by leucine, an amino acid with highly similar properties. This amino acid position is conserved. In addition, this alteration is predicted to be tolerated by in silico analysis. Based on the available evidence, the clinical significance of this variant remains unclear.

Labcorp Genetics (formerly Invitae), Labcorp
Classification: Uncertain significance for Oligodontia-cancer predisposition syndrome. Last evaluated: 2022-07-27. Review status: criteria provided, single submitter. Criteria: Invitae Variant Classification Sherloc (09022015). Collection method: clinical testing. Allele origin: germline.
Comment: In summary, the available evidence is currently insufficient to determine the role of this variant in disease. Therefore, it has been classified as a Variant of Uncertain Significance. Algorithms developed to predict the effect of missense changes on protein structure and function (SIFT, PolyPhen-2, Align-GVGD) all suggest that this variant is likely to be tolerated. This variant has not been reported in the literature in individuals affected with AXIN2-related conditions. This variant is not present in population databases (gnomAD no frequency). This sequence change replaces phenylalanine, which is neutral and non-polar, with leucine, which is neutral and non-polar, at codon 274 of the AXIN2 protein (p.Phe274Leu).

NM_004655.4(AXIN2):c.820T>C (p.Phe274Leu)

Gene: AXIN2 (axin 2; minus strand). Cytogenetic location: 17q24.1.
Variant type: single nucleotide variant.
Coding change: c.820T>C on transcript NM_004655.4 (MANE Select); coding-DNA position 820, T replaced by C.
Protein change: p.Phe274Leu; replaces phenylalanine 274 with leucine.
Molecular consequence: missense variant.
Genome position (GRCh38, 1-based): chr17:65,549,656, A>G on the plus strand (T>C on the coding strand, the complement: AXIN2 is on the minus strand). VCF-style: chr17-65549656-A-G. GRCh37 (hg19) VCF-style: chr17-63545774-A-G.
Other names: c.820T>C, p.Phe274Leu (NM_001363813.1); short protein forms F274L.
Identifiers: ClinVar variation 1713938 (VCV001713938.6), dbSNP rs2544218781, ClinGen allele CA400679708.